The following is an entry in ClinVar:

ClinVar aggregate classification (germline): Uncertain significance. Review status: criteria provided, multiple submitters, no conflicts (2 of 4 stars). 3 submissions from 3 submitters: Uncertain significance (3). Last evaluated 2024-04-10.

Conditions:
Hereditary cancer-predisposing syndrome. Also called: Neoplastic Syndromes, Hereditary; Tumor predisposition; Hereditary Cancer Syndrome; Hereditary neoplastic syndrome. Identifiers: Orphanet 140162, MedGen C0027672, MeSH D009386, MONDO:0015356.
Familial cancer of breast. Also called: BREAST CANCER, FAMILIAL; hereditary breast carcinoma; Hereditary breast cancer. Identifiers: Orphanet 227535, MedGen C0346153, MONDO:0016419, OMIM 114480. Disease mechanism: loss of function.

Allele frequency attached by ClinVar (database versions not stated): ExAC 0.00001; gnomAD exomes 0.00001.
gnomAD v4.1: 3 of 1,614,084 alleles (0.00019%); highest among the groups gnomAD compares: East Asian, 0.0067%; no homozygotes.

Submissions (3):

Labcorp Genetics (formerly Invitae), Labcorp
Classification: Uncertain significance for Familial cancer of breast. Last evaluated: 2024-04-10. Review status: criteria provided, single submitter. Criteria: Invitae Variant Classification Sherloc (09022015). Collection method: clinical testing. Allele origin: germline.
Comment: This sequence change replaces glutamine, which is neutral and polar, with arginine, which is basic and polar, at codon 615 of the BARD1 protein (p.Gln615Arg). This variant is present in population databases (rs764418221, gnomAD 0.01%). This missense change has been observed in individual(s) with BARD1-related conditions (PMID: 36243179). ClinVar contains an entry for this variant (Variation ID: 460725). An algorithm developed to predict the effect of missense changes on protein structure and function (PolyPhen-2) suggests that this variant¬†is likely to be tolerated. In summary, the available evidence is currently insufficient to determine the role of this variant in disease. Therefore, it has been classified as a Variant of Uncertain Significance.

Baylor Genetics
Classification: Uncertain significance for Familial cancer of breast. Last evaluated: 2023-08-06. Review status: criteria provided, single submitter. Criteria: ACMG Guidelines, 2015. Collection method: clinical testing. Allele origin: unknown.

Ambry Genetics
Classification: Uncertain significance for Hereditary cancer-predisposing syndrome. Last evaluated: 2023-01-12. Review status: criteria provided, single submitter. Criteria: Ambry Variant Classification Scheme 2023. Collection method: clinical testing. Allele origin: germline.
Comment: The p.Q615R variant (also known as c.1844A>G), located in coding exon 9 of the BARD1 gene, results from an A to G substitution at nucleotide position 1844. The glutamine at codon 615 is replaced by arginine, an amino acid with highly similar properties. This amino acid position is well conserved in available vertebrate species. In addition, this alteration is predicted to be tolerated by in silico analysis. Since supporting evidence is limited at this time, the clinical significance of this alteration remains unclear.

Literature cited by the submitters: PubMed 36243179 (cited by Labcorp Genetics (formerly Invitae), Labcorp).

NM_000465.4(BARD1):c.1844A>G (p.Gln615Arg)

Gene: BARD1 (BRCA1 associated RING domain 1; minus strand). Cytogenetic location: 2q35.
Variant type: single nucleotide variant.
Coding change: c.1844A>G on transcript NM_000465.4 (MANE Select); coding-DNA position 1844, A replaced by G.
Protein change: p.Gln615Arg; replaces glutamine 615 with arginine.
Molecular consequence: missense variant. On other transcripts: non-coding transcript variant (3), intron variant (1).
Genome position (GRCh38, 1-based): chr2:214,745,126, T>C on the plus strand (A>G on the coding strand, the complement: BARD1 is on the minus strand). VCF-style: chr2-214745126-T-C. GRCh37 (hg19) VCF-style: chr2-215609850-T-C.
Other names: c.1787A>G, p.Gln596Arg (NM_001282543.2); c.491A>G, p.Gln164Arg (NM_001282545.2); c.434A>G, p.Gln145Arg (NM_001282548.2); c.365-14618A>G (NM_001282549.2); short protein forms Q615R, Q145R, Q164R, Q596R.
Identifiers: ClinVar variation 460725 (VCV000460725.16), dbSNP rs764418221, ClinGen allele CA2090149.